The following is an entry in ClinVar:

ClinVar aggregate classification (germline): Benign/Likely benign. Review status: criteria provided, multiple submitters, no conflicts (2 of 4 stars). 3 submissions from 3 submitters: Benign (1); Likely benign (2). Last evaluated 2025-08-21.

Conditions:
Birt-Hogg-Dube syndrome 1 (BHD1). Also called: FIBROFOLLICULOMAS WITH TRICHODISCOMAS AND ACROCHORDONS. Identifiers: Orphanet 122, MedGen CN375946, MONDO:0800445, OMIM 135150.
Birt-Hogg-Dube syndrome. Also called: Birt Hogg Dubé syndrome. Identifiers: Orphanet 122, MedGen C0346010, MONDO:0800444.
Hereditary cancer-predisposing syndrome. Also called: Tumor predisposition; Hereditary Cancer Syndrome; Hereditary neoplastic syndrome; Neoplastic Syndromes, Hereditary. Identifiers: Orphanet 140162, MedGen C0027672, MeSH D009386, MONDO:0015356.

Allele frequency attached by ClinVar (database versions not stated): ExAC 0.00001; gnomAD exomes 0.00001.
gnomAD v4.1: 17 of 1,611,178 alleles (0.0011%); highest among the groups gnomAD compares: South Asian, 0.018%; no homozygotes.

Submissions (3):

Labcorp Genetics (formerly Invitae), Labcorp
Classification: Likely benign for Birt-Hogg-Dube syndrome. Last evaluated: 2025-08-21. Review status: criteria provided, single submitter. Criteria: Invitae Variant Classification Sherloc (09022015). Collection method: clinical testing. Allele origin: germline.

Myriad Genetics, Inc.
Classification: Benign for Birt-Hogg-Dube syndrome 1. Last evaluated: 2024-10-23. Review status: criteria provided, single submitter. Criteria: Myriad Autosomal Dominant, Autosomal Recessive and X-Linked Classification Criteria (2023). Collection method: clinical testing. Allele origin: unknown.
Comment: This variant is considered benign. This variant is a silent/synonymous amino acid change and it is not expected to impact splicing.

Ambry Genetics
Classification: Likely benign for Hereditary cancer-predisposing syndrome. Last evaluated: 2020-12-21. Review status: criteria provided, single submitter. Criteria: Ambry Variant Classification Scheme 2023. Collection method: clinical testing. Allele origin: germline.

NM_144997.7(FLCN):c.825A>G (p.Glu275=)

Gene: FLCN (folliculin; minus strand). Cytogenetic location: 17p11.2.
Variant type: single nucleotide variant.
Coding change: c.825A>G on transcript NM_144997.7 (MANE Select); coding-DNA position 825, A replaced by G.
Protein change: p.Glu275=; no amino-acid change (glutamic acid 275 retained).
Molecular consequence: synonymous variant.
Genome position (GRCh38, 1-based): chr17:17,221,583, T>C on the plus strand (A>G on the coding strand, the complement: FLCN is on the minus strand). VCF-style: chr17-17221583-T-C. GRCh37 (hg19) VCF-style: chr17-17124897-T-C.
Other names: c.879A>G, p.Glu293= (NM_001353229.2); c.825A>G, p.Glu275= (NM_001353230.2, NM_001353231.2, NM_144606.7).
Identifiers: ClinVar variation 1540198 (VCV001540198.11), dbSNP rs769758699, ClinGen allele CA8416280.